The following is an entry in ClinVar:

ClinVar aggregate classification (germline): Benign/Likely benign. Review status: criteria provided, multiple submitters, no conflicts (2 of 4 stars). 4 submissions from 4 submitters: Benign (3); Likely benign (1). Last evaluated 2026-06-02.

Allele frequency attached by ClinVar (database versions not stated): gnomAD exomes 0.00035; ExAC 0.00041; 1000 Genomes Project 0.00080; 1000 Genomes Project 30x 0.00094; gnomAD 0.00135 and 0.00150; TOPMed 0.00164; ESP Exome Variant Server 0.00171.

Submissions (4):

Women's Health and Genetics/Laboratory Corporation of America, LabCorp
Classification: Benign. Last evaluated: 2026-06-02. Review status: criteria provided, single submitter. Criteria: LabCorp Variant Classification Summary - May 2015. Collection method: clinical testing. Allele origin: germline.
Comment: Variant summary: SBF1 c.3403C>T results in a synonymous change. Consensus agreement among computation tools predict no significant impact on normal splicing. However, these predictions have yet to be confirmed by functional studies. The variant allele was found at a frequency of 0.00035 in 249260 control chromosomes, predominantly at a frequency of 0.0049 within the African or African-American subpopulation in the gnomAD database. The observed variant frequency within African or African-American control individuals in the gnomAD database exceeds the estimated maximal expected allele frequency for disease-causing variants in SBF1. To our knowledge, no occurrence of c.3403C>T in individuals affected with SBF1-related conditions and no experimental evidence demonstrating its impact on protein function have been reported. ClinVar contains an entry for this variant (Variation ID: 724443). Based on the evidence outlined above, the variant was classified as benign.

Labcorp Genetics (formerly Invitae), Labcorp
Classification: Benign. Last evaluated: 2026-01-05. Review status: criteria provided, single submitter. Criteria: Invitae Variant Classification Sherloc (09022015). Collection method: clinical testing. Allele origin: germline.

Blueprint Genetics
Classification: Likely benign. Last evaluated: 2024-08-30. Review status: criteria provided, single submitter. Criteria: ACMG Guidelines, 2015. Collection method: clinical testing. Allele origin: germline.

Breakthrough Genomics
Classification: Benign. Review status: criteria provided, single submitter. Criteria: ACMG Guidelines, 2015. Collection method: not provided. Allele origin: germline. Inheritance: Autosomal recessive inheritance. Affected: yes.

NM_002972.4(SBF1):c.3403C>T (p.Leu1135=)

Gene: SBF1 (SET binding factor 1; minus strand). Cytogenetic location: 22q13.33.
Variant type: single nucleotide variant.
Coding change: c.3403C>T on transcript NM_002972.4 (MANE Select); coding-DNA position 3403, C replaced by T.
Protein change: p.Leu1135=; no amino-acid change (leucine 1135 retained).
Molecular consequence: synonymous variant.
Genome position (GRCh38, 1-based): chr22:50,460,040, G>A on the plus strand (C>T on the coding strand, the complement: SBF1 is on the minus strand). VCF-style: chr22-50460040-G-A. GRCh37 (hg19) VCF-style: chr22-50898469-G-A.
Other names: c.3406C>T, p.Leu1136= (NM_001365819.1).
Identifiers: ClinVar variation 724443 (VCV000724443.13), dbSNP rs375181100, ClinGen allele CA10316727.
Genomic context (GRCh38, chr22:50,460,040, plus strand): 5'-CCGGAGAAATGCGGAAGGGCTCAGACTTGGCCCGGCTCAGGCTGCTGCTCAGGGTGCCCA[G>A]ACCGAGGCGCTGGTAGTCGCGACAGCAAGCCCTTTCCACCAGGCTGCTCATGGTCATGCG-3'
Protein context (NP_002963.2, residues 1125-1145): ACCRDYQRLG[Leu1135=]GTLSSSLSRA